The following is an entry in ClinVar:

NM_014639.4(SKIC3):c.995-1G>T

Gene: SKIC3 (SKI3 subunit of superkiller complex; minus strand). Cytogenetic location: 5q15.
Variant type: single nucleotide variant.
Coding change: c.995-1G>T on transcript NM_014639.4 (MANE Select); the canonical splice acceptor site of the intron before coding-DNA position 995, G replaced by T.
Molecular consequence: splice acceptor variant.
Genome position (GRCh38, 1-based): chr5:95,528,153, C>A on the plus strand (G>T on the coding strand, the complement: SKIC3 is on the minus strand). VCF-style: chr5-95528153-C-A. GRCh37 (hg19) VCF-style: chr5-94863857-C-A.
Identifiers: ClinVar variation 2767588 (VCV002767588.3), dbSNP rs2530779091, ClinGen allele CA360465931.

ClinVar aggregate classification (germline): Likely pathogenic (1 of 4 stars; one submission).

Submission:

Labcorp Genetics (formerly Invitae), Labcorp
Classification: Likely pathogenic. Last evaluated: 2023-10-11. Review status: criteria provided, single submitter. Criteria: Invitae Variant Classification Sherloc (09022015). Collection method: clinical testing. Allele origin: germline.
Comment: This sequence change affects an acceptor splice site in intron 12 of the TTC37 gene. It is expected to disrupt RNA splicing. Variants that disrupt the donor or acceptor splice site typically lead to a loss of protein function (PMID: 16199547), and loss-of-function variants in TTC37 are known to be pathogenic (PMID: 20176027, 21120949). This variant is not present in population databases (gnomAD no frequency). This variant has not been reported in the literature in individuals affected with TTC37-related conditions. Algorithms developed to predict the effect of sequence changes on RNA splicing suggest that this variant may disrupt the consensus splice site. In summary, the currently available evidence indicates that the variant is pathogenic, but additional data are needed to prove that conclusively. Therefore, this variant has been classified as Likely Pathogenic.

Literature cited by the submitters: PubMed 16199547; PubMed 20176027; PubMed 21120949.